The following is an entry in ClinVar:

ClinVar aggregate classification (germline): Uncertain significance (1 of 4 stars; one submission).

Conditions:
Congenital factor V deficiency. Also called: LABILE FACTOR DEFICIENCY; OWREN PARAHEMOPHILIA; PARAHEMOPHILIA; Hereditary factor V deficiency disease. Identifiers: Orphanet 326, MedGen C0015499, MONDO:0009210, OMIM 227400.

gnomAD v4.1: 2 of 1,614,134 alleles (0.00012%); highest among the groups gnomAD compares: Admixed American, 0.0033%; no homozygotes.

Submission:

Labcorp Genetics (formerly Invitae), Labcorp
Classification: Uncertain significance for Congenital factor V deficiency. Last evaluated: 2025-01-30. Review status: criteria provided, single submitter. Criteria: Invitae Variant Classification Sherloc (09022015). Collection method: clinical testing. Allele origin: germline.
Comment: This sequence change replaces leucine, which is neutral and non-polar, with valine, which is neutral and non-polar, at codon 1388 of the F5 protein (p.Leu1388Val). This variant is not present in population databases (gnomAD no frequency). This variant has not been reported in the literature in individuals affected with F5-related conditions. Invitae Evidence Modeling of protein sequence and biophysical properties (such as structural, functional, and spatial information, amino acid conservation, physicochemical variation, residue mobility, and thermodynamic stability) indicates that this missense variant is not expected to disrupt F5 protein function with a negative predictive value of 80%. In summary, the available evidence is currently insufficient to determine the role of this variant in disease. Therefore, it has been classified as a Variant of Uncertain Significance.

NM_000130.5(F5):c.4162C>G (p.Leu1388Val)

Gene: F5 (coagulation factor V; minus strand). Cytogenetic location: 1q24.2.
Variant type: single nucleotide variant.
Coding change: c.4162C>G on transcript NM_000130.5 (MANE Select); coding-DNA position 4162, C replaced by G.
Protein change: p.Leu1388Val; replaces leucine 1388 with valine.
Molecular consequence: missense variant.
Genome position (GRCh38, 1-based): chr1:169,540,928, G>C on the plus strand (C>G on the coding strand, the complement: F5 is on the minus strand). VCF-style: chr1-169540928-G-C. GRCh37 (hg19) VCF-style: chr1-169510166-G-C.
Other names: short protein forms L1388V.
Identifiers: ClinVar variation 3709908 (VCV003709908.1).